The following is an entry in ClinVar:

ClinVar aggregate classification (germline): Uncertain significance. Review status: criteria provided, multiple submitters, no conflicts (2 of 4 stars). 2 submissions from 2 submitters: Uncertain significance (2). Last evaluated 2025-01-11.

Conditions:
Fanconi anemia complementation group A (FANCA). Also called: Fanconi anemia, group A; FANCA-Related Fanconi Anemia. Identifiers: Orphanet 84, MedGen C3469521, MONDO:0009215, OMIM 227650.
Inborn genetic diseases. Identifiers: MedGen C0950123, MeSH D030342.

Submissions (2):

Ambry Genetics
Classification: Uncertain significance for Inborn genetic diseases. Last evaluated: 2025-01-11. Review status: criteria provided, single submitter. Criteria: Ambry Variant Classification Scheme 2023. Collection method: clinical testing. Allele origin: germline.
Comment: The p.L197P variant (also known as c.590T>C), located in coding exon 6 of the FANCA gene, results from a T to C substitution at nucleotide position 590. The leucine at codon 197 is replaced by proline, an amino acid with similar properties. This amino acid position is conserved. In addition, the in silico prediction for this alteration is inconclusive. Based on the available evidence, the clinical significance of this variant remains unclear.

Illumina Laboratory Services, Illumina
Classification: Uncertain significance for Fanconi anemia complementation group A. Last evaluated: 2018-01-12. Review status: criteria provided, single submitter. Criteria: ICSL Variant Classification Criteria 13 December 2019. Collection method: clinical testing. Allele origin: germline.

NM_000135.4(FANCA):c.590T>C (p.Leu197Pro)

Gene: FANCA (FA complementation group A; minus strand). Cytogenetic location: 16q24.3.
Variant type: single nucleotide variant.
Coding change: c.590T>C on transcript NM_000135.4 (MANE Select); coding-DNA position 590, T replaced by C.
Protein change: p.Leu197Pro; replaces leucine 197 with proline.
Molecular consequence: missense variant.
Genome position (GRCh38, 1-based): chr16:89,808,300, A>G on the plus strand (T>C on the coding strand, the complement: FANCA is on the minus strand). VCF-style: chr16-89808300-A-G. GRCh37 (hg19) VCF-style: chr16-89874708-A-G.
Other names: c.590T>C (LRG_495t1); c.590T>C, p.Leu197Pro (NM_001018112.3, NM_001286167.3); c.494T>C, p.Leu165Pro (NM_001351830.2); short protein forms L197P, L165P.
Identifiers: ClinVar variation 321368 (VCV000321368.6), dbSNP rs886052488, ClinGen allele CA10644647.